The following is an entry in ClinVar:

NM_004958.4(MTOR):c.5861G>A (p.Gly1954Glu)

Gene: MTOR (mechanistic target of rapamycin kinase; minus strand). Cytogenetic location: 1p36.22.
Variant type: single nucleotide variant.
Coding change: c.5861G>A on transcript NM_004958.4 (MANE Select); coding-DNA position 5861, G replaced by A.
Protein change: p.Gly1954Glu; replaces glycine 1954 with glutamic acid.
Molecular consequence: missense variant.
Genome position (GRCh38, 1-based): chr1:11,128,503, C>T on the plus strand (G>A on the coding strand, the complement: MTOR is on the minus strand). VCF-style: chr1-11128503-C-T. GRCh37 (hg19) VCF-style: chr1-11188560-C-T.
Other names: c.5861G>A, p.Gly1954Glu (NM_001386500.1); c.4613G>A, p.Gly1538Glu (NM_001386501.1); short protein forms G1538E, G1954E.
Identifiers: ClinVar variation 4112029 (VCV004112029.2).

ClinVar aggregate classification (germline): Uncertain significance. Review status: criteria provided, multiple submitters, no conflicts (2 of 4 stars). 2 submissions from 2 submitters: Uncertain significance (2). Last evaluated 2025-09-15.

Conditions:
Inborn genetic diseases. Identifiers: MedGen C0950123, MeSH D030342.

Submissions (2):

Women's Health and Genetics/Laboratory Corporation of America, LabCorp
Classification: Uncertain significance. Last evaluated: 2025-09-15. Review status: criteria provided, single submitter. Criteria: LabCorp Variant Classification Summary - May 2015. Collection method: clinical testing. Allele origin: germline.
Comment: Variant summary: MTOR c.5861G>A (p.Gly1954Glu) results in a non-conservative amino acid change in the encoded protein sequence. Algorithms developed to predict the effect of missense changes on protein structure and function all suggest that this variant is likely to be disruptive. The variant was absent in 251482 control chromosomes. The available data on variant occurrences in the general population are insufficient to allow any conclusion about variant significance. To our knowledge, no occurrence of c.5861G>A in individuals affected with MTOR-related conditions and no experimental evidence demonstrating its impact on protein function have been reported. No submitters have cited clinical-significance assessments for this variant to ClinVar. Based on the evidence outlined above, the variant was classified as uncertain significance.

Ambry Genetics
Classification: Uncertain significance for Inborn genetic diseases. Last evaluated: 2025-07-08. Review status: criteria provided, single submitter. Criteria: Ambry Variant Classification Scheme 2023. Collection method: clinical testing. Allele origin: germline.